The following is an entry in ClinVar:

NM_001378457.1(DMXL2):c.698G>A (p.Arg233Gln)

Gene: DMXL2 (Dmx like 2; minus strand). Cytogenetic location: 15q21.2.
Variant type: single nucleotide variant.
Coding change: c.698G>A on transcript NM_001378457.1 (MANE Select); coding-DNA position 698, G replaced by A.
Protein change: p.Arg233Gln; replaces arginine 233 with glutamine.
Molecular consequence: missense variant. On other transcripts: non-coding transcript variant (2).
Genome position (GRCh38, 1-based): chr15:51,547,278, C>T on the plus strand (G>A on the coding strand, the complement: DMXL2 is on the minus strand). VCF-style: chr15-51547278-C-T. GRCh37 (hg19) VCF-style: chr15-51839475-C-T.
Other names: c.698G>A, p.Arg233Gln (NM_001174116.3, NM_001174117.3, NM_001378458.1 and 7 more transcripts); short protein forms R233Q.
Identifiers: ClinVar variation 1917213 (VCV001917213.2), dbSNP rs756757123, ClinGen allele CA7562765.

ClinVar aggregate classification (germline): Uncertain significance (1 of 4 stars; one submission).

Allele frequency attached by ClinVar (database versions not stated): ExAC 0.00001; gnomAD 0.00001.
gnomAD v4.1: 12 of 1,612,486 alleles (0.00074%); highest among the groups gnomAD compares: East Asian, 0.0045%; no homozygotes.

Submission:

Labcorp Genetics (formerly Invitae), Labcorp
Classification: Uncertain significance. Last evaluated: 2022-10-17. Review status: criteria provided, single submitter. Criteria: Invitae Variant Classification Sherloc (09022015). Collection method: clinical testing. Allele origin: germline.
Comment: This sequence change replaces arginine, which is basic and polar, with glutamine, which is neutral and polar, at codon 233 of the DMXL2 protein (p.Arg233Gln). The frequency data for this variant in the population databases is considered unreliable, as metrics indicate poor data quality at this position in the gnomAD database. This variant has not been reported in the literature in individuals affected with DMXL2-related conditions. Algorithms developed to predict the effect of missense changes on protein structure and function are either unavailable or do not agree on the potential impact of this missense change (SIFT: "Tolerated"; PolyPhen-2: "Probably Damaging"; Align-GVGD: "Class C0"). In summary, the available evidence is currently insufficient to determine the role of this variant in disease. Therefore, it has been classified as a Variant of Uncertain Significance.